The following is an entry in ClinVar:

NM_000154.2(GALK1):c.573del (p.Met192fs)

Gene: GALK1 (galactokinase 1; minus strand). Cytogenetic location: 17q25.1.
Variant type: Deletion.
Coding change: c.573del on transcript NM_000154.2 (MANE Select); coding-DNA position 573, one base deleted (T; older notation c.573delT).
Protein change: p.Met192fs; shifts the reading frame from methionine 192.
Molecular consequence: frameshift variant.
Genome position (GRCh38, 1-based): chr17:75,763,052, A deleted on the plus strand (T on the coding strand, the reverse complement: GALK1 is on the minus strand); the first of 2 consecutive A bases (chr17:75,763,052-75,763,053); deleting either gives the same sequence. VCF-style (leftmost placement, unchanged base first): chr17-75763051-TA-T. GRCh37 (hg19) VCF-style: chr17-73759132-TA-T.
Other names: c.573del, p.Met192fs (NM_001381985.1); short protein forms M192fs.
Identifiers: ClinVar variation 1726303 (VCV001726303.2), dbSNP rs2545903471, ClinGen allele CA2580095182.

ClinVar aggregate classification (germline): Likely pathogenic (1 of 4 stars; one submission).

Conditions:
Deficiency of galactokinase. Also called: GALACTOSEMIA II; Galactokinase deficiency with cataracts. Identifiers: Orphanet 352, Orphanet 79237, MedGen C0268155, MONDO:0009255, OMIM 230200.

Submission:

Myriad Genetics, Inc.
Classification: Likely pathogenic for Deficiency of galactokinase. Last evaluated: 2021-12-14. Review status: criteria provided, single submitter. Criteria: Myriad Women's Health Autosomal Recessive and X-Linked Classification Criteria (2021). Collection method: clinical testing. Allele origin: unknown.
Comment: NM_000154.1(GALK1):c.573delT(M192Wfs*72) is expected to be pathogenic in the context of galactokinase deficiency. This variant is predicted to lead to an abnormal or absent protein product due to the creation of a premature termination codon in GALK1, a gene where loss-of-function variants are known to be pathogenic. Please note: this variant was assessed in the context of healthy population screening.